The following is an entry in ClinVar:

ClinVar aggregate classification (germline): Uncertain significance (1 of 4 stars; one submission).

Conditions:
Thrombophilia due to protein S deficiency, autosomal recessive (THPH6). Identifiers: Orphanet 743, MedGen C3281092, MONDO:0013791, OMIM 614514. Disease mechanism: loss of function.

Allele frequency attached by ClinVar (database versions not stated): gnomAD exomes below 0.00001; TOPMed below 0.00001.
gnomAD v4.1: 1 of 1,611,382 alleles (0.000062%); highest among the groups gnomAD compares: Non-Finnish European, 0.000085%; no homozygotes.

Submission:

Labcorp Genetics (formerly Invitae), Labcorp
Classification: Uncertain significance for Thrombophilia due to protein S deficiency, autosomal recessive. Last evaluated: 2022-03-12. Review status: criteria provided, single submitter. Criteria: Invitae Variant Classification Sherloc (09022015). Collection method: clinical testing. Allele origin: germline.
Comment: This sequence change replaces leucine, which is neutral and non-polar, with phenylalanine, which is neutral and non-polar, at codon 89 of the PROS1 protein (p.Leu89Phe). This variant is not present in population databases (gnomAD no frequency). This variant has not been reported in the literature in individuals affected with PROS1-related conditions. Algorithms developed to predict the effect of missense changes on protein structure and function are either unavailable or do not agree on the potential impact of this missense change (SIFT: "Deleterious"; PolyPhen-2: "Probably Damaging"; Align-GVGD: "Class C15"). In summary, the available evidence is currently insufficient to determine the role of this variant in disease. Therefore, it has been classified as a Variant of Uncertain Significance.

NM_000313.4(PROS1):c.265C>T (p.Leu89Phe)

Gene: PROS1 (protein S; minus strand). Cytogenetic location: 3q11.1.
Variant type: single nucleotide variant.
Coding change: c.265C>T on transcript NM_000313.4 (MANE Select); coding-DNA position 265, C replaced by T.
Protein change: p.Leu89Phe; replaces leucine 89 with phenylalanine.
Molecular consequence: missense variant.
Genome position (GRCh38, 1-based): chr3:93,910,700, G>A on the plus strand (C>T on the coding strand, the complement: PROS1 is on the minus strand). VCF-style: chr3-93910700-G-A. GRCh37 (hg19) VCF-style: chr3-93629544-G-A.
Other names: c.361C>T, p.Leu121Phe (NM_001314077.2); short protein forms L121F, L89F.
Identifiers: ClinVar variation 2171068 (VCV002171068.4), dbSNP rs1708748113, ClinGen allele CA353674145.